The following is an entry in ClinVar:

NM_014365.3(HSPB8):c.73C>T (p.Pro25Ser)

Gene: HSPB8 (heat shock protein family B (small) member 8; plus strand). Cytogenetic location: 12q24.23.
Variant type: single nucleotide variant.
Coding change: c.73C>T on transcript NM_014365.3 (MANE Select); coding-DNA position 73, C replaced by T.
Protein change: p.Pro25Ser; replaces proline 25 with serine.
Molecular consequence: missense variant.
Genome position (GRCh38, 1-based): chr12:119,179,385, C>T. VCF-style: chr12-119179385-C-T. GRCh37 (hg19) VCF-style: chr12-119617190-C-T.
Other names: short protein forms P25S.
Identifiers: ClinVar variation 4808445 (VCV004808445.1).

ClinVar aggregate classification (germline): Uncertain significance (1 of 4 stars; one submission).

Conditions:
Charcot-Marie-Tooth disease axonal type 2L. Also called: Charcot-Marie-Tooth Neuropathy Type 2L; CHARCOT-MARIE-TOOTH DISEASE, AXONAL, AUTOSOMAL DOMINANT, TYPE 2L; CHARCOT-MARIE-TOOTH NEUROPATHY, AXONAL, TYPE 2L. Identifiers: Orphanet 99945, MedGen C1837552, MONDO:0012096, OMIM 608673.

gnomAD v4.1: 7 of 1,614,132 alleles (0.00043%); highest among the groups gnomAD compares: Non-Finnish European, 0.00059%; no homozygotes.

Submission:

Labcorp Genetics (formerly Invitae), Labcorp
Classification: Uncertain significance for Charcot-Marie-Tooth disease axonal type 2L. Last evaluated: 2025-04-23. Review status: criteria provided, single submitter. Criteria: Invitae Variant Classification Sherloc (09022015). Collection method: clinical testing. Allele origin: germline.
Comment: This sequence change replaces proline, which is neutral and non-polar, with serine, which is neutral and polar, at codon 25 of the HSPB8 protein (p.Pro25Ser). This variant is not present in population databases (gnomAD no frequency). This variant has not been reported in the literature in individuals affected with HSPB8-related conditions. An algorithm developed to predict the effect of missense changes on protein structure and function outputs the following: PolyPhen-2: "Benign". The serine amino acid residue is found in multiple mammalian species, which suggests that this missense change does not adversely affect protein function. In summary, the available evidence is currently insufficient to determine the role of this variant in disease. Therefore, it has been classified as a Variant of Uncertain Significance.